The following is an entry in ClinVar:

NM_175914.5(HNF4A):c.582+1G>A

Gene: HNF4A (hepatocyte nuclear factor 4 alpha; plus strand). Cytogenetic location: 20q13.12.
Variant type: single nucleotide variant.
Coding change: c.582+1G>A on transcript NM_175914.5 (MANE Select); the canonical splice donor site of the intron after coding-DNA position 582, G replaced by A.
Molecular consequence: splice donor variant.
Genome position (GRCh38, 1-based): chr20:44,414,663, G>A. VCF-style: chr20-44414663-G-A. GRCh37 (hg19) VCF-style: chr20-43043303-G-A.
Other names: c.573+1G>A (NM_001287182.2, NM_001287183.2, NM_001287184.2); c.582+1G>A (NM_001030003.3, NM_001030004.3); c.627+1G>A (NM_001258355.2); c.648+1G>A (NM_178849.3, NM_000457.6, NM_178850.3).
Identifiers: ClinVar variation 617652 (VCV000617652.7), dbSNP rs1392795567, ClinGen allele CA409106287.

ClinVar aggregate classification (germline): Likely pathogenic. Review status: reviewed by expert panel (3 of 4 stars). 5 submissions from 5 submitters: Likely pathogenic (1). 4 of the submissions do not count toward it. Last evaluated 2023-09-15.

Conditions:
Maturity-onset diabetes of the young (MODY). Also called: Maturity onset diabetes mellitus in young. Identifiers: Orphanet 552, MedGen C0342276, MONDO:0018911, HP:0004904.
Maturity-onset diabetes of the young type 1. Also called: MODY, type I; MODY type 1; Diabetes mellitus MODY type 1; MODY HNF4A related; HNF4A-Related Maturity-Onset Diabetes of the Young Type 1; MILD JUVENILE DIABETES MELLITUS. Identifiers: Orphanet 552, MedGen C1852093, MONDO:0007452, OMIM 125850. Disease mechanism: loss of function.
Monogenic diabetes. Identifiers: Orphanet 183625, MedGen C3888631, MONDO:0015967.

Allele frequency attached by ClinVar (database versions not stated): gnomAD exomes below 0.00001; TOPMed below 0.00001.
gnomAD v4.1: 1 of 1,600,248 alleles (0.000062%); highest among the groups gnomAD compares: Admixed American, 0.0018%; no homozygotes.

Submissions (5):

ClinGen Monogenic Diabetes Variant Curation Expert Panel
Classification: Likely pathogenic for Monogenic diabetes. Last evaluated: 2023-09-15. Review status: reviewed by expert panel. Criteria: ClinGen Monogenic Diabetes ACMG Specifications HNF4A V1.1.0. Collection method: curation. Allele origin: germline. Inheritance: Autosomal dominant inheritance.
Comment: The c.582+1G>A variant in the hepatocyte nuclear factor-4 alpha gene, HNF4A, is predicted to remove a canonical splice donor site in intron 5 of NM_175914.5. This variant is predicted to cause an in-frame deletion of biologically relevant exon 5 of 10, removing more than 10% of the protein (PVS1_Strong). This variant failed QC in gnomAD v2.1.1 , is found in only one individual in BRAVO and absent from the Geisinger and UK Biobanks (PM2_Supporting). This variant was identified in at least 2 individuals with a clinical history highly specific for HNF4A-MODY (MODY probability calculator result >50%, negative genetic testing for HNF1A, history of large for gestational age, and family history of persistent neonatal hypoglycemia) (PP4_Moderate; PMID: 17407387, internal lab contributors). This variant segregated with diabetes, with 3 informative meioses in this family with MODY (PP1; PMID: 17407387). In summary, c.582+1G>A meets the criteria to be classified as likely pathogenic for monogenic diabetes. ACMG/AMP criteria applied, as specified by the ClinGen MDEP VCEP (specification version 1.1.0, approved 8/11/2023): PVS1_strong, PM2_supporting, PP4_moderate, PP1.

Labcorp Genetics (formerly Invitae), Labcorp
Classification: Pathogenic. Last evaluated: 2024-09-22. Review status: criteria provided, single submitter. Criteria: Invitae Variant Classification Sherloc (09022015). Collection method: clinical testing. Allele origin: germline. Not counted in ClinVar's aggregate classification.
Comment: This sequence change affects a donor splice site in intron 5 of the HNF4A gene. It is expected to disrupt RNA splicing. Variants that disrupt the donor or acceptor splice site typically lead to a loss of protein function (PMID: 16199547), and loss-of-function variants in HNF4A are known to be pathogenic (PMID: 20164212, 23275527, 23348805, 24097065). This variant is not present in population databases (gnomAD no frequency). Disruption of this splice site has been observed in individual(s) with clinical features of HNF4A-related conditions (PMID: 17407387). It has also been observed to segregate with disease in related individuals. This variant is also known as IVS5nt + 1G>A. ClinVar contains an entry for this variant (Variation ID: 617652). Algorithms developed to predict the effect of sequence changes on RNA splicing suggest that this variant may disrupt the consensus splice site. For these reasons, this variant has been classified as Pathogenic.

GeneDx
Classification: Likely pathogenic. Last evaluated: 2023-01-31. Review status: criteria provided, single submitter. Criteria: GeneDx Variant Classification Process June 2021. Collection method: clinical testing. Allele origin: germline. Affected: yes. Not counted in ClinVar's aggregate classification.
Comment: Canonical splice site variant expected to result in aberrant splicing, although in the absence of functional evidence the actual effect of this sequence change is unknown.; Not observed at significant frequency in large population cohorts (gnomAD); This variant is associated with the following publications: (PMID: 25525159, 15830177, 23348805, 17407387, 29758564)

Ambry Genetics
Classification: Likely pathogenic for Maturity-onset diabetes of the young. Last evaluated: 2020-12-17. Review status: criteria provided, single submitter. Criteria: Ambry Variant Classification Scheme 2023. Collection method: clinical testing. Allele origin: germline. Not counted in ClinVar's aggregate classification.
Comment: The c.582+1G>A intronic variant results from a G to A substitution one nucleotide after coding exon 5 of the HNF4A gene. Alterations that disrupt the canonical splice site are expected to result in aberrant splicing. In silico splice site analysis predicts that this alteration will weaken the native splice donor site and will result in the creation or strengthening of a novel splice donor site. The resulting transcript is predicted to be in-frame and is not expected to trigger nonsense-mediated mRNAdecay; however, direct evidence is unavailable. The exact functional effect of the missing amino acids is unknown; however, the impacted region is critical for protein function (Ambry internal data) and this alteration has been reported in a proband from a MODY cohort (Pearson ER et al. Diabetologia, 2005 May;48:878-85). This variant was not reported in population-based cohorts in the Genome Aggregation Database (gnomAD). This nucleotide position is highly conserved in available vertebrate species. Based on the majority of available evidence to date, this variant is likely to be pathogenic.

Translational Genomics Laboratory, University of Maryland School of Medicine
Classification: Pathogenic for Maturity-onset diabetes of the young, type 1. Last evaluated: 2017-11-20. Review status: criteria provided, single submitter. Criteria: ACMG Guidelines, 2015. Collection method: clinical testing. Allele origin: germline. Affected: yes. Not counted in ClinVar's aggregate classification.
Comment: The c.573+1G>A variant in the Hepatocyte Nuclear Factor 4-Alpha gene, HNF4A, is predicted to remove a splice donor site in IVS7 (193395). Canonical splice site variants can often be assumed to disrupt gene function by leading to a complete absence of the gene product by lack of transcription or nonsense-mediated decay of an altered transcript. Splice site mutations in HNF4A, including ones in this intron, have been reported in patients with a clinical picture consistent with Maturity-Onset Diabetes of the Young, Type 1 (MODY1) (23348805). The c.573+1 G>A variant was not observed in the NHLBI Exome Sequencing Project, 1000 Genomes Project, or Exome Aggregation Consortium databases; however, the c.573+1 G>A variant was previously found to segregate with a MODY1 phenotype over three generations in one family (15830177, 17407387). Additionally, multiple lines of computational evidence (MutationTaster, FATHMM, GERP) predict this variant is probably damaging to the protein structure, function, or protein-protein interaction. ACMG criteria = PVS1, PM2, PP3, PP1

Literature cited by the submitters: PubMed 16199547 (cited by Labcorp Genetics (formerly Invitae), Labcorp); PubMed 20164212 (cited by Labcorp Genetics (formerly Invitae), Labcorp); PubMed 23275527 (cited by Labcorp Genetics (formerly Invitae), Labcorp); PubMed 23348805 (cited by Labcorp Genetics (formerly Invitae), Labcorp and Translational Genomics Laboratory, University of Maryland School of Medicine); PubMed 24097065 (cited by Labcorp Genetics (formerly Invitae), Labcorp); PubMed 17407387 (cited by Labcorp Genetics (formerly Invitae), Labcorp and Translational Genomics Laboratory, University of Maryland School of Medicine); PubMed 15830177 (cited by Ambry Genetics and Translational Genomics Laboratory, University of Maryland School of Medicine); PubMed 193395 (cited by Translational Genomics Laboratory, University of Maryland School of Medicine).